The following is an entry in ClinVar:

ClinVar aggregate classification (germline): Pathogenic. Review status: criteria provided, multiple submitters, no conflicts (2 of 4 stars). 2 submissions from 2 submitters: Pathogenic (2). Last evaluated 2023-12-27.

Conditions:
Neurofibromatosis, type 1 (NF1). Also called: Neurofibromatosis, type I; Peripheral type neurofibromatosis; NEUROFIBROMATOSIS, TYPE I, SOMATIC; VON RECKLINGHAUSEN DISEASE. Identifiers: Orphanet 636, MedGen C0027831, MONDO:0018975, OMIM 162200. Disease mechanism: loss of function.
Cardiovascular phenotype. Identifiers: MedGen CN230736.
Hereditary cancer-predisposing syndrome. Also called: Hereditary Cancer Syndrome; Tumor predisposition; Hereditary neoplastic syndrome; Neoplastic Syndromes, Hereditary. Identifiers: Orphanet 140162, MedGen C0027672, MeSH D009386, MONDO:0015356.

Submissions (2):

Ambry Genetics
Classification: Pathogenic for Cardiovascular phenotype; Hereditary cancer-predisposing syndrome. Last evaluated: 2023-12-27. Review status: criteria provided, single submitter. Criteria: Ambry Variant Classification Scheme 2023. Collection method: clinical testing. Allele origin: germline.
Comment: The c.5880_5902dup23 variant, located in coding exon 39 of the NF1 gene, results from a duplication of GACCATCAATGAAAAACAGATGT at nucleotide position 5880, causing a translational frameshift with a predicted alternate stop codon (p.Y1968*). This variant is considered to be rare based on population cohorts in the Genome Aggregation Database (gnomAD). This alteration is expected to result in loss of function by premature protein truncation or nonsense-mediated mRNA decay. As such, this alteration is interpreted as a disease-causing mutation.

Labcorp Genetics (formerly Invitae), Labcorp
Classification: Pathogenic for Neurofibromatosis, type 1. Last evaluated: 2022-05-21. Review status: criteria provided, single submitter. Criteria: Invitae Variant Classification Sherloc (09022015). Collection method: clinical testing. Allele origin: germline.
Comment: This sequence change creates a premature translational stop signal (p.Tyr1968*) in the NF1 gene. It is expected to result in an absent or disrupted protein product. Loss-of-function variants in NF1 are known to be pathogenic (PMID: 10712197, 23913538). This variant is not present in population databases (gnomAD no frequency). This premature translational stop signal has been observed in individual(s) with neurofibromatosis type 1 (PMID: 26969325). For these reasons, this variant has been classified as Pathogenic.

Literature cited by the submitters: PubMed 10712197 (cited by Labcorp Genetics (formerly Invitae), Labcorp); PubMed 23913538 (cited by Labcorp Genetics (formerly Invitae), Labcorp); PubMed 26969325 (cited by Labcorp Genetics (formerly Invitae), Labcorp).

NM_001042492.3(NF1):c.5943_5965dup (p.Tyr1989Ter)

Gene: NF1 (neurofibromin 1; plus strand). Cytogenetic location: 17q11.2.
Variant type: Duplication.
Coding change: c.5943_5965dup on transcript NM_001042492.3 (MANE Select); coding-DNA positions 5943 to 5965, 23 bases duplicated (GACCATCAATGAAAAACAGATGT).
Protein change: p.Tyr1989Ter; replaces tyrosine 1989 with a stop codon.
Molecular consequence: nonsense. On other transcripts: frameshift variant (1).
Genome position (GRCh38, 1-based): chr17:31,334,968-31,334,990, GACCATCAATGAAAAACAGATGT duplicated; duplicating any 23 consecutive bases within chr17:31,334,967-31,334,990 gives the same sequence; the c. name uses the placement nearest the transcript's 3' end. VCF-style (leftmost placement, unchanged base first): chr17-31334966-A-ATGACCATCAATGAAAAACAGATG. GRCh37 (hg19) VCF-style: chr17-29661984-A-ATGACCATCAATGAAAAACAGATG.
Other names: c.5880_5902dup, p.Tyr1968Terfs (NM_000267.4); c.5880_5902dupGACCATCAATGAAAAACAGATGT (NM_000267.3); short protein forms Y1989*, Y1968*.
Identifiers: ClinVar variation 1997186 (VCV001997186.5), dbSNP rs2508737201, ClinGen allele CA2580092995.
Genomic context (GRCh38, chr17:31,334,966, plus strand): 5'-AAGCATAATGATGATGCCAAACGACAAAGAGTTACTGCTATTCTTGACAAGCTGATAACA[A>ATGACCATCAATGAAAAACAGATG]TGACCATCAATGAAAAACAGATGTACCCATCTATTCAAGCAAAAATATGGGGAAGCCTTG-3'